The following is an entry in ClinVar:

NM_001378615.1(CC2D2A):c.1871C>T (p.Pro624Leu)

Genes: CC2D2A (coiled-coil and C2 domain containing 2A; plus strand), FBXL5 (F-box and leucine rich repeat protein 5; minus strand). Cytogenetic location: 4p15.32.
Variant type: single nucleotide variant.
Coding change: c.1871C>T on transcript NM_001378615.1 (MANE Select); coding-DNA position 1871, C replaced by T.
Protein change: p.Pro624Leu; replaces proline 624 with leucine.
Molecular consequence: missense variant.
Genome position (GRCh38, 1-based): chr4:15,538,005, C>T. VCF-style: chr4-15538005-C-T. GRCh37 (hg19) VCF-style: chr4-15539628-C-T.
Other names: c.1871C>T, p.Pro624Leu (NM_001080522.2); c.1724C>T, p.Pro575Leu (NM_001378617.1); short protein forms P575L, P624L.
Identifiers: ClinVar variation 1439878 (VCV001439878.5), dbSNP rs947493633, ClinGen allele CA92531545.

ClinVar aggregate classification (germline): Uncertain significance. Review status: criteria provided, multiple submitters, no conflicts (2 of 4 stars). 2 submissions from 2 submitters: Uncertain significance (2). Last evaluated 2024-01-20.

Conditions:
COACH syndrome 2. Identifiers: MedGen C5436837, MONDO:0030859, OMIM 619111.
Meckel syndrome, type 6. Identifiers: Orphanet 564, MedGen C2676790, MONDO:0012848, OMIM 612284.
Retinitis pigmentosa 93. Identifiers: MedGen C5676970, MONDO:0030797, OMIM 619845.
Joubert syndrome 9 (JBTS9). Identifiers: Orphanet 2318, MedGen C2676788, MONDO:0012849, OMIM 612285.
Joubert syndrome. Also called: JOUBERT-BOLTSHAUSER SYNDROME; Familial aplasia of the vermis. Identifiers: Orphanet 475, MedGen C5979921, MONDO:0018772.
Meckel-Gruber syndrome. Also called: DYSENCEPHALIA SPLANCHNOCYSTICA; GRUBER SYNDROME; Dysencephalia splachnocystica. Identifiers: Orphanet 564, MedGen C0265215, MONDO:0018921.

Allele frequency attached by ClinVar (database versions not stated): gnomAD exomes below 0.00001; gnomAD 0.00001; TOPMed 0.00001.
gnomAD v4.1: 4 of 1,609,572 alleles (0.00025%); highest among the groups gnomAD compares: African/African-American, 0.004%; no homozygotes.

Submissions (2):

Fulgent Genetics
Classification: Uncertain significance for Meckel syndrome, type 6; Joubert syndrome 9; COACH syndrome 2; Retinitis pigmentosa 93. Last evaluated: 2024-01-20. Review status: criteria provided, single submitter. Criteria: ACMG Guidelines, 2015. Collection method: clinical testing. Allele origin: germline.

Labcorp Genetics (formerly Invitae), Labcorp
Classification: Uncertain significance for Joubert syndrome; Meckel-Gruber syndrome. Last evaluated: 2022-06-20. Review status: criteria provided, single submitter. Criteria: Invitae Variant Classification Sherloc (09022015). Collection method: clinical testing. Allele origin: germline.
Comment: In summary, the available evidence is currently insufficient to determine the role of this variant in disease. Therefore, it has been classified as a Variant of Uncertain Significance. Advanced modeling of protein sequence and biophysical properties (such as structural, functional, and spatial information, amino acid conservation, physicochemical variation, residue mobility, and thermodynamic stability) performed at Invitae indicates that this missense variant is not expected to disrupt CC2D2A protein function. This variant has not been reported in the literature in individuals affected with CC2D2A-related conditions. This variant is not present in population databases (gnomAD no frequency). This sequence change replaces proline, which is neutral and non-polar, with leucine, which is neutral and non-polar, at codon 624 of the CC2D2A protein (p.Pro624Leu).